The following is an entry in ClinVar:

NM_007294.4(BRCA1):c.-7G>C

Gene: BRCA1 (BRCA1 DNA repair associated; minus strand). Cytogenetic location: 17q21.31.
Variant type: single nucleotide variant.
Coding change: c.-7G>C on transcript NM_007294.4 (MANE Select); 7 bases upstream of the start codon, G replaced by C.
Molecular consequence: 5 prime UTR variant. On other transcripts: non-coding transcript variant (1).
Genome position (GRCh38, 1-based): chr17:43,124,103, C>G on the plus strand (G>C on the coding strand, the complement: BRCA1 is on the minus strand). VCF-style: chr17-43124103-C-G. GRCh37 (hg19) VCF-style: chr17-41276120-C-G.
Other names: c.-195G>C (NM_001407571.1, NM_001407853.1, NM_001407879.1 and 42 more transcripts); c.-7G>C (NM_001407581.1, NM_001407582.1, NM_001407583.1 and 169 more transcripts); c.-264G>C (NM_001407694.1, NM_001407724.1, NM_001407727.1 and 11 more transcripts); c.-268G>C (NM_001407695.1, NM_001408465.1); c.-409G>C (NM_001407696.1); c.-293G>C (NM_001407697.1, NM_001407846.1, NM_001407920.1); c.-94G>C (NM_001407698.1, NM_001407732.1, NM_001407736.1 and 21 more transcripts); c.-267G>C (NM_001407725.1, NM_001407730.1, NM_001407734.1 and 22 more transcripts); and 8 more.
Identifiers: ClinVar variation 868666 (VCV000868666.5), dbSNP rs1567823538, ClinGen allele CA916081148.
Genomic context (GRCh38, chr17:43,124,103, plus strand): 5'-CATAGCATTAATGACATTTTGTACTTCTTCAACGCGAAGAGCAGATAAATCCATTTCTTT[C>G]TGTTCCAATGAACTTTAACACATTAGAAAAACATATATATATATCTTTTTAAAAGGTTTA-3'

ClinVar aggregate classification (germline): Likely benign (1 of 4 stars; one submission).

Conditions:
Hereditary breast ovarian cancer syndrome. Also called: Hereditary breast and ovarian cancer; Hereditary breast and ovarian cancer syndrome (HBOC); Breast and ovarian cancer; Hereditary breast and/or ovarian cancer syndrome; BRCA1- and BRCA2-Associated Hereditary Breast and Ovarian Cancer; Hereditary breast and ovarian cancer syndrome. Identifiers: Orphanet 145, MedGen C0677776, MeSH D061325, MONDO:0003582. Disease mechanism: loss of function.

Submissions (2):

Labcorp Genetics (formerly Invitae), Labcorp
Classification: Likely benign for Hereditary breast ovarian cancer syndrome. Last evaluated: 2024-02-12. Review status: criteria provided, single submitter. Criteria: Invitae Variant Classification Sherloc (09022015). Collection method: clinical testing. Allele origin: germline.

Brotman Baty Institute, University of Washington
No classification provided (evidence only). Condition: Breast-ovarian cancer, familial 1. Review status: no classification provided. Collection method: in vitro. Allele origin: not applicable. Functional consequence: functionally_normal. Not counted in ClinVar's aggregate classification.
ClinVar note: "not provided" was previously submitted as the classification for the variant. However, the classification appeared to be based only on an observation of functional data so it was converted to no classification on 2025-07-30.